The following is an entry in ClinVar:

NM_000969.5(RPL5):c.803G>A (p.Arg268His)

Genes: DIPK1A (divergent protein kinase domain 1A; minus strand), RPL5 (ribosomal protein L5; plus strand). Cytogenetic location: 1p22.1.
Variant type: single nucleotide variant.
Coding change: c.803G>A on transcript NM_000969.5 (MANE Select); coding-DNA position 803, G replaced by A.
Protein change: p.Arg268His; replaces arginine 268 with histidine.
Molecular consequence: missense variant. On other transcripts: non-coding transcript variant (1), intron variant (1).
Genome position (GRCh38, 1-based): chr1:92,841,774, G>A. VCF-style: chr1-92841774-G-A. GRCh37 (hg19) VCF-style: chr1-93307331-G-A.
Other names: c.474+5409C>T (NM_001252273.2); short protein forms R268H.
Identifiers: ClinVar variation 569334 (VCV000569334.10), dbSNP rs765443248, ClinGen allele CA952637.
Genomic context (GRCh38, chr1:92,841,774, plus strand): 5'-TTCTATTCTCTTCAGTTATAGTTTAAAAAATATATATTCCTATCTTTTGTAGGTGGAACC[G>A]TCCCAAAATGTCCCTTGCTCAGAAGAAGGATCGGGTAGCTCAAAAGAAGGCAAGCTTCCT-3'
Protein context (NP_000960.2, residues 258-278): KKEVKKKRWN[Arg268His]PKMSLAQKKD

ClinVar aggregate classification (germline): Uncertain significance. Review status: criteria provided, multiple submitters, no conflicts (2 of 4 stars). 2 submissions from 2 submitters: Uncertain significance (2). Last evaluated 2024-05-27.

Conditions:
Diamond-Blackfan anemia. Also called: Blackfan Diamond syndrome; Aregenerative anemia chronic congenital; Red cell aplasia, pure hereditary; Congenital hypoplastic anemia; Aase syndrome. Identifiers: Orphanet 124, MedGen C1260899, MeSH D029503, MONDO:0015253, HP:0004810.
Diamond-Blackfan anemia 6 (DBA6). Also called: RPL5-Related Diamond-Blackfan Anemia. Identifiers: Orphanet 124, MedGen C2931850, MONDO:0012937, OMIM 612561.

Allele frequency attached by ClinVar (database versions not stated): gnomAD 0.00001; gnomAD exomes 0.00002; ExAC 0.00003.
gnomAD v4.1: 23 of 1,610,208 alleles (0.0014%); highest among the groups gnomAD compares: South Asian, 0.0044%; no homozygotes.

Submissions (2):

Fulgent Genetics
Classification: Uncertain significance for Diamond-Blackfan anemia 6. Last evaluated: 2024-05-27. Review status: criteria provided, single submitter. Criteria: ACMG Guidelines, 2015. Collection method: clinical testing. Allele origin: germline.

Labcorp Genetics (formerly Invitae), Labcorp
Classification: Uncertain significance for Diamond-Blackfan anemia. Last evaluated: 2021-01-13. Review status: criteria provided, single submitter. Criteria: Invitae Variant Classification Sherloc (09022015). Collection method: clinical testing. Allele origin: germline.
Comment: This variant is present in population databases (rs765443248, ExAC 0.01%). In summary, the available evidence is currently insufficient to determine the role of this variant in disease. Therefore, it has been classified as a Variant of Uncertain Significance. Algorithms developed to predict the effect of missense changes on protein structure and function (SIFT, PolyPhen-2, Align-GVGD) all suggest that this variant is likely to be tolerated, but these predictions have not been confirmed by published functional studies and their clinical significance is uncertain. This variant has not been reported in the literature in individuals with RPL5-related disease. This sequence change replaces arginine with histidine at codon 268 of the RPL5 protein (p.Arg268His). The arginine residue is moderately conserved and there is a small physicochemical difference between arginine and histidine.